The following is an entry in ClinVar:

ClinVar aggregate classification (germline): Uncertain significance (1 of 4 stars; one submission).

Conditions:
Leber congenital amaurosis 17 (LCA17). Identifiers: Orphanet 65, MedGen C3715164, MONDO:0014145, OMIM 615360.
Microphthalmia, isolated, with coloboma 6 (MCOPCB6). Also called: MICROPHTHALMIA/COLOBOMA 6; Microphthalmia with coloboma 6, digenic; Microphthalmia with coloboma 6. Identifiers: Orphanet 98938, MedGen C3150968, MONDO:0013376, OMIM 613703.
Isolated microphthalmia 4. Identifiers: Orphanet 2542, MedGen C2751307, MONDO:0013130, OMIM 613094.
Klippel-Feil syndrome 1, autosomal dominant (KFS1). Also called: CERVICAL VERTEBRAL FUSION, AUTOSOMAL DOMINANT. Identifiers: Orphanet 2345, MedGen C1861689, MONDO:0007306, OMIM 118100.

Submission:

Labcorp Genetics (formerly Invitae), Labcorp
Classification: Uncertain significance for Isolated microphthalmia 4; Leber congenital amaurosis 17; Klippel-Feil syndrome 1, autosomal dominant; Microphthalmia, isolated, with coloboma 6. Last evaluated: 2022-10-05. Review status: criteria provided, single submitter. Criteria: Invitae Variant Classification Sherloc (09022015). Collection method: clinical testing. Allele origin: germline.
Comment: Advanced modeling of protein sequence and biophysical properties (such as structural, functional, and spatial information, amino acid conservation, physicochemical variation, residue mobility, and thermodynamic stability) performed at Invitae indicates that this missense variant is not expected to disrupt GDF6 protein function. In summary, the available evidence is currently insufficient to determine the role of this variant in disease. Therefore, it has been classified as a Variant of Uncertain Significance. This variant has not been reported in the literature in individuals affected with GDF6-related conditions. This variant is not present in population databases (gnomAD no frequency). This sequence change replaces arginine, which is basic and polar, with glutamine, which is neutral and polar, at codon 334 of the GDF6 protein (p.Arg334Gln).

NM_001001557.4(GDF6):c.1001G>A (p.Arg334Gln)

Gene: GDF6 (growth differentiation factor 6; minus strand). Cytogenetic location: 8q22.1.
Variant type: single nucleotide variant.
Coding change: c.1001G>A on transcript NM_001001557.4 (MANE Select); coding-DNA position 1001, G replaced by A.
Protein change: p.Arg334Gln; replaces arginine 334 with glutamine.
Molecular consequence: missense variant.
Genome position (GRCh38, 1-based): chr8:96,144,930, C>T on the plus strand (G>A on the coding strand, the complement: GDF6 is on the minus strand). VCF-style: chr8-96144930-C-T. GRCh37 (hg19) VCF-style: chr8-97157158-C-T.
Other names: short protein forms R334Q.
Identifiers: ClinVar variation 2124161 (VCV002124161.4), dbSNP rs2487829838, ClinGen allele CA371751358.
Genomic context (GRCh38, chr8:96,144,930, plus strand): 5'-CAGCGTAGCCTGGACTTCTTGCCGTGCCGCTTGCCATGGCGACTGGCGAAGGCCGTGCGC[C>T]GCCGCCGGCGGCCGGGCGAGGGCAGCCAAGGCCTGGCATCCGGGGCGCCCGACGGCGGCG-3'
Protein context (NP_001001557.1, residues 324-344): PWLPSPGRRR[Arg334Gln]RTAFASRHGK